The following is an entry in ClinVar:

NM_024685.4(BBS10):c.481A>G (p.Lys161Glu)

Gene: BBS10 (Bardet-Biedl syndrome 10; minus strand). Cytogenetic location: 12q21.2.
Variant type: single nucleotide variant.
Coding change: c.481A>G on transcript NM_024685.4 (MANE Select); coding-DNA position 481, A replaced by G.
Protein change: p.Lys161Glu; replaces lysine 161 with glutamic acid.
Molecular consequence: missense variant.
Genome position (GRCh38, 1-based): chr12:76,347,504, T>C on the plus strand (A>G on the coding strand, the complement: BBS10 is on the minus strand). VCF-style: chr12-76347504-T-C. GRCh37 (hg19) VCF-style: chr12-76741284-T-C.
Other names: p.Lys161Glu; c.481A>G (NM_024685.3); short protein forms K161E.
Identifiers: ClinVar variation 2066283 (VCV002066283.7), dbSNP rs146788134, ClinGen allele CA6694329.

ClinVar aggregate classification (germline): Uncertain significance. Review status: criteria provided, multiple submitters, no conflicts (2 of 4 stars). 5 submissions from 5 submitters: Uncertain significance (5). Last evaluated 2025-08-13.

Conditions:
BBS10-related disorder. Also called: BBS10-related condition.
Inborn genetic diseases. Identifiers: MedGen C0950123, MeSH D030342.
Bardet-Biedl syndrome (BBS). Identifiers: Orphanet 110, MedGen C0752166, MONDO:0015229.

Allele frequency attached by ClinVar (database versions not stated): gnomAD exomes 0.00001; ExAC 0.00003; gnomAD 0.00005; TOPMed 0.00005; ESP Exome Variant Server 0.00023.
gnomAD v4.1: 15 of 1,613,752 alleles (0.00093%); highest among the groups gnomAD compares: African/African-American, 0.02%; no homozygotes.

Submissions (5):

Ambry Genetics
Classification: Uncertain significance for Inborn genetic diseases. Last evaluated: 2025-08-13. Review status: criteria provided, single submitter. Criteria: Ambry Variant Classification Scheme 2023. Collection method: clinical testing. Allele origin: germline.

Labcorp Genetics (formerly Invitae), Labcorp
Classification: Uncertain significance for Bardet-Biedl syndrome. Last evaluated: 2025-07-21. Review status: criteria provided, single submitter. Criteria: Invitae Variant Classification Sherloc (09022015). Collection method: clinical testing. Allele origin: germline.
Comment: This sequence change replaces lysine, which is basic and polar, with glutamic acid, which is acidic and polar, at codon 161 of the BBS10 protein (p.Lys161Glu). This variant is present in population databases (rs146788134, gnomAD 0.03%). This variant has not been reported in the literature in individuals affected with BBS10-related conditions. ClinVar contains an entry for this variant (Variation ID: 2066283). Invitae Evidence Modeling of protein sequence and biophysical properties (such as structural, functional, and spatial information, amino acid conservation, physicochemical variation, residue mobility, and thermodynamic stability) indicates that this missense variant is not expected to disrupt BBS10 protein function with a negative predictive value of 80%. In summary, the available evidence is currently insufficient to determine the role of this variant in disease. Therefore, it has been classified as a Variant of Uncertain Significance.

PreventionGenetics, part of Exact Sciences
Classification: Uncertain significance for BBS10-related condition. Last evaluated: 2025-07-15. Review status: criteria provided, single submitter. Criteria: ACMG Guidelines, 2015. Collection method: clinical testing. Allele origin: germline.
Comment: The BBS10 c.481A>G variant is predicted to result in the amino acid substitution p.Lys161Glu. To our knowledge, this variant has not been reported in the literature. This variant is reported in 0.036% of alleles in individuals of African descent in gnomAD. At this time, the clinical significance of this variant is uncertain due to the absence of conclusive functional and genetic evidence.

Mayo Clinic Laboratories, Mayo Clinic
Classification: Uncertain significance. Last evaluated: 2023-10-03. Review status: criteria provided, single submitter. Criteria: ACMG Guidelines, 2015. Collection method: clinical testing. Allele origin: germline. Observed: 1 variant allele.
Comment: BP4_strong

Blueprint Genetics
Classification: Uncertain significance. Last evaluated: 2022-12-01. Review status: criteria provided, single submitter. Criteria: ACMG Guidelines, 2015. Collection method: clinical testing. Allele origin: germline.